The following is an entry in ClinVar:

NM_016180.5(SLC45A2):c.806G>T (p.Gly269Val)

Gene: SLC45A2 (solute carrier family 45 member 2; minus strand). Cytogenetic location: 5p13.2.
Variant type: single nucleotide variant.
Coding change: c.806G>T on transcript NM_016180.5 (MANE Select); coding-DNA position 806, G replaced by T.
Protein change: p.Gly269Val; replaces glycine 269 with valine.
Molecular consequence: missense variant. On other transcripts: intron variant (1).
Genome position (GRCh38, 1-based): chr5:33,963,773, C>A on the plus strand (G>T on the coding strand, the complement: SLC45A2 is on the minus strand). VCF-style: chr5-33963773-C-A. GRCh37 (hg19) VCF-style: chr5-33963878-C-A.
Other names: c.806G>T, p.Gly269Val (NM_001012509.4); c.563-9269G>T (NM_001297417.4); short protein forms G269V.
Identifiers: ClinVar variation 2003089 (VCV002003089.6), dbSNP rs772902343, ClinGen allele CA359393328.

ClinVar aggregate classification (germline): Uncertain significance. Review status: criteria provided, multiple submitters, no conflicts (2 of 4 stars). 2 submissions from 2 submitters: Uncertain significance (2). Last evaluated 2025-01-02.

Submissions (2):

Women's Health and Genetics/Laboratory Corporation of America, LabCorp
Classification: Uncertain significance. Last evaluated: 2025-01-02. Review status: criteria provided, single submitter. Criteria: LabCorp Variant Classification Summary - May 2015. Collection method: clinical testing. Allele origin: germline.
Comment: Variant summary: SLC45A2 c.806G>T (p.Gly269Val) results in a non-conservative amino acid change located in the MFS general substrate transporter like domain of the encoded protein sequence. Four of five in-silico tools predict a damaging effect of the variant on protein function. The variant was absent in 251420 control chromosomes. The available data on variant occurrences in the general population are insufficient to allow any conclusion about variant significance. c.806G>T has been reported in the literature in at-least one individual affected albinism (example: Wei_2022). These report(s) do not provide unequivocal conclusions about association of the variant with Oculocutaneous albinism type 4. To our knowledge, no experimental evidence demonstrating an impact on protein function has been reported. The following publication has been ascertained in the context of this evaluation (PMID: 34838614). ClinVar contains an entry for this variant (Variation ID: 2003089). Based on the evidence outlined above, the variant was classified as uncertain significance.

Labcorp Genetics (formerly Invitae), Labcorp
Classification: Uncertain significance. Last evaluated: 2022-07-25. Review status: criteria provided, single submitter. Criteria: Invitae Variant Classification Sherloc (09022015). Collection method: clinical testing. Allele origin: germline.
Comment: In summary, the available evidence is currently insufficient to determine the role of this variant in disease. Therefore, it has been classified as a Variant of Uncertain Significance. Algorithms developed to predict the effect of missense changes on protein structure and function are either unavailable or do not agree on the potential impact of this missense change (SIFT: "Deleterious"; PolyPhen-2: "Probably Damaging"; Align-GVGD: "Class C0"). This variant has not been reported in the literature in individuals affected with SLC45A2-related conditions. This variant is not present in population databases (gnomAD no frequency). This sequence change replaces glycine, which is neutral and non-polar, with valine, which is neutral and non-polar, at codon 269 of the SLC45A2 protein (p.Gly269Val).

Literature cited by the submitters: PubMed 34838614 (cited by Women's Health and Genetics/Laboratory Corporation of America, LabCorp).